The following is an entry in ClinVar:

NM_032638.5(GATA2):c.806G>A (p.Gly269Asp)

Gene: GATA2 (GATA binding protein 2; minus strand). Cytogenetic location: 3q21.3.
Variant type: single nucleotide variant.
Coding change: c.806G>A on transcript NM_032638.5 (MANE Select); coding-DNA position 806, G replaced by A.
Protein change: p.Gly269Asp; replaces glycine 269 with aspartic acid.
Molecular consequence: missense variant.
Genome position (GRCh38, 1-based): chr3:128,485,792, C>T on the plus strand (G>A on the coding strand, the complement: GATA2 is on the minus strand). VCF-style: chr3-128485792-C-T. GRCh37 (hg19) VCF-style: chr3-128204635-C-T.
Other names: c.806G>A, p.Gly269Asp (NM_001145661.2, NM_001145662.1); short protein forms G269D.
Identifiers: ClinVar variation 5022215 (VCV005022215.1).

ClinVar aggregate classification (germline): Uncertain significance (1 of 4 stars; one submission).

Conditions:
Inborn genetic diseases. Identifiers: MedGen C0950123, MeSH D030342.

Submission:

Ambry Genetics
Classification: Uncertain significance for Inborn genetic diseases. Last evaluated: 2026-07-07. Review status: criteria provided, single submitter. Criteria: Ambry Variant Classification Scheme 2023. Collection method: clinical testing. Allele origin: germline.
Comment: The p.G269D variant (also known as c.806G>A), located in coding exon 2 of the GATA2 gene, results from a G to A substitution at nucleotide position 806. The glycine at codon 269 is replaced by aspartic acid, an amino acid with similar properties. This amino acid position is conserved. In addition, the in silico prediction for this alteration is inconclusive. Based on the available evidence, the clinical significance of this variant remains unclear.